The following is an entry in ClinVar:

ClinVar aggregate classification (germline): Pathogenic (1 of 4 stars; one submission).

Submission:

GeneDx
Classification: Pathogenic. Last evaluated: 2019-02-26. Review status: criteria provided, single submitter. Criteria: GeneDx Variant Classification (06012015). Collection method: clinical testing. Allele origin: germline. Affected: yes.
Comment: The c.232delC variant in the ZEB2 gene has not been reported previously as a pathogenic variant nor as a benign variant, to our knowledge. This variant causes a frameshift starting with codon Leucine 78, changes this amino acid to a Cysteine residue, and creates a premature Stop codon at position 11 of the new reading frame, denoted p.Leu78CysfsX11. The c.232delC variant is predicted to cause loss of normal protein function either through protein truncation or nonsense-mediated mRNA decay. This variant is not observed in large population cohorts (Lek et al., 2016). We interpret c.232delC as a pathogenic variant.

NM_014795.4(ZEB2):c.232del (p.Leu78fs)

Gene: ZEB2 (zinc finger E-box binding homeobox 2; minus strand). Cytogenetic location: 2q22.3.
Variant type: Deletion.
Coding change: c.232del on transcript NM_014795.4 (MANE Select); coding-DNA position 232, one base deleted (C; older notation c.232delC).
Protein change: p.Leu78fs; shifts the reading frame from leucine 78.
Molecular consequence: frameshift variant.
Genome position (GRCh38, 1-based): chr2:144,429,868, G deleted on the plus strand (C on the coding strand, the reverse complement: ZEB2 is on the minus strand). VCF-style (leftmost placement, unchanged base first): chr2-144429867-AG-A. GRCh37 (hg19) VCF-style: chr2-145187434-AG-A.
Other names: c.232del, p.Leu78fs (NM_001171653.2); short protein forms L78fs.
Identifiers: ClinVar variation 817474 (VCV000817474.1), dbSNP rs1573743888, ClinGen allele CA915942832.